The following is an entry in ClinVar:

NM_000059.4(BRCA2):c.3182A>T (p.Lys1061Met)

Gene: BRCA2 (BRCA2 DNA repair associated; plus strand). Cytogenetic location: 13q13.1.
Variant type: single nucleotide variant.
Coding change: c.3182A>T on transcript NM_000059.4 (MANE Select); coding-DNA position 3182, A replaced by T.
Protein change: p.Lys1061Met; replaces lysine 1061 with methionine.
Molecular consequence: missense variant. On other transcripts: non-coding transcript variant (1), intron variant (2).
Genome position (GRCh38, 1-based): chr13:32,337,537, A>T. VCF-style: chr13-32337537-A-T. GRCh37 (hg19) VCF-style: chr13-32911674-A-T.
Other names: c.3182A>T, p.Lys1061Met (NM_001406719.1, NM_001406720.1); c.1909+4150A>T (NM_001406721.1); c.424+6507A>T (NM_001406722.1); short protein forms K1061M.
Identifiers: ClinVar variation 2866736 (VCV002866736.3), dbSNP rs776099423, ClinGen allele CA387775830.

ClinVar aggregate classification (germline): Uncertain significance (1 of 4 stars; one submission).

Conditions:
Hereditary breast ovarian cancer syndrome. Also called: Hereditary breast and ovarian cancer syndrome; Hereditary breast and ovarian cancer; BRCA1- and BRCA2-Associated Hereditary Breast and Ovarian Cancer; Hereditary breast and/or ovarian cancer syndrome; Breast and ovarian cancer; Hereditary breast and ovarian cancer syndrome (HBOC). Identifiers: Orphanet 145, MedGen C0677776, MeSH D061325, MONDO:0003582. Disease mechanism: loss of function.

Submission:

Labcorp Genetics (formerly Invitae), Labcorp
Classification: Uncertain significance for Hereditary breast ovarian cancer syndrome. Last evaluated: 2023-05-24. Review status: criteria provided, single submitter. Criteria: Invitae Variant Classification Sherloc (09022015). Collection method: clinical testing. Allele origin: germline.
Comment: This sequence change replaces lysine, which is basic and polar, with methionine, which is neutral and non-polar, at codon 1061 of the BRCA2 protein (p.Lys1061Met). This variant is not present in population databases (gnomAD no frequency). This variant has not been reported in the literature in individuals affected with BRCA2-related conditions. Advanced modeling of protein sequence and biophysical properties (such as structural, functional, and spatial information, amino acid conservation, physicochemical variation, residue mobility, and thermodynamic stability) performed at Invitae indicates that this missense variant is not expected to disrupt BRCA2 protein function. In summary, the available evidence is currently insufficient to determine the role of this variant in disease. Therefore, it has been classified as a Variant of Uncertain Significance.